The following is an entry in ClinVar:

ClinVar aggregate classification (germline): Uncertain significance (1 of 4 stars; one submission).

Conditions:
Dystonic disorder. Also called: Dystonia. Identifiers: MedGen C0013421, MONDO:0003441, HP:0001332.

Allele frequency attached by ClinVar (database versions not stated): gnomAD exomes below 0.00001; ExAC 0.00001; gnomAD 0.00001; TOPMed 0.00001.
gnomAD v4.1: 6 of 1,607,688 alleles (0.00037%); highest among the groups gnomAD compares: East Asian, 0.0022%; no homozygotes.

Submission:

Labcorp Genetics (formerly Invitae), Labcorp
Classification: Uncertain significance for Dystonic disorder. Last evaluated: 2023-03-31. Review status: criteria provided, single submitter. Criteria: Invitae Variant Classification Sherloc (09022015). Collection method: clinical testing. Allele origin: germline.
Comment: In summary, the available evidence is currently insufficient to determine the role of this variant in disease. Therefore, it has been classified as a Variant of Uncertain Significance. Advanced modeling of protein sequence and biophysical properties (such as structural, functional, and spatial information, amino acid conservation, physicochemical variation, residue mobility, and thermodynamic stability) performed at Invitae indicates that this missense variant is not expected to disrupt ANO3 protein function. This variant has not been reported in the literature in individuals affected with ANO3-related conditions. This variant is present in population databases (rs768382940, gnomAD 0.0009%). This sequence change replaces aspartic acid, which is acidic and polar, with asparagine, which is neutral and polar, at codon 89 of the ANO3 protein (p.Asp89Asn).

NM_031418.4(ANO3):c.265G>A (p.Asp89Asn)

Gene: ANO3 (anoctamin 3; plus strand). Cytogenetic location: 11p14.2.
Variant type: single nucleotide variant.
Coding change: c.265G>A on transcript NM_031418.4 (MANE Select); coding-DNA position 265, G replaced by A.
Protein change: p.Asp89Asn; replaces aspartic acid 89 with asparagine.
Molecular consequence: missense variant.
Genome position (GRCh38, 1-based): chr11:26,443,788, G>A. VCF-style: chr11-26443788-G-A. GRCh37 (hg19) VCF-style: chr11-26465335-G-A.
Other names: c.448G>A, p.Asp150Asn (NM_001313726.2); short protein forms D150N, D89N.
Identifiers: ClinVar variation 2732964 (VCV002732964.3), dbSNP rs768382940, ClinGen allele CA5925499.